The following is an entry in ClinVar:

ClinVar aggregate classification (germline): Pathogenic (1 of 4 stars; one submission).

Conditions:
Rhabdoid tumor predisposition syndrome 2 (RTPS2). Identifiers: Orphanet 231108, Orphanet 69077, MedGen C2750074, MONDO:0013224, OMIM 613325.

Submission:

Labcorp Genetics (formerly Invitae), Labcorp
Classification: Pathogenic for Rhabdoid tumor predisposition syndrome 2. Last evaluated: 2017-03-14. Review status: criteria provided, single submitter. Criteria: Invitae Variant Classification Sherloc (09022015). Collection method: clinical testing. Allele origin: germline.
Comment: This variant is an out-of-frame deletion of the genomic region encompassing exons 17-25 of the SMARCA4 gene. This creates a premature translational stop signal and is expected to result in an absent or disrupted protein product. While this particular variant has not been reported in the literature, loss-of-function variants in SMARCA4 are known to be pathogenic (PMID: 24658001, 24658002). For these reasons, this variant has been classified as Pathogenic.

NC_000019.10:g.(?_11018951)_(11030899_?)del

Gene: SMARCA4 (SWI/SNF related BAF chromatin remodeling complex subunit ATPase 4; plus strand). Cytogenetic location: 19p13.2.
Variant type: Deletion.
Identifiers: ClinVar variation 470218 (VCV000470218.1).